The following is an entry in ClinVar:

NM_001267550.2(TTN):c.11312-5289A>C

Gene: TTN (titin; minus strand). Cytogenetic location: 2q31.2.
Variant type: single nucleotide variant.
Coding change: c.11312-5289A>C on transcript NM_001267550.2 (MANE Select); 5289 bases into the intron before coding-DNA position 11312, A replaced by C.
Molecular consequence: intron variant. On other transcripts: missense variant (1).
Genome position (GRCh38, 1-based): chr2:178,747,210, T>G on the plus strand (A>C on the coding strand, the complement: TTN is on the minus strand). VCF-style: chr2-178747210-T-G. GRCh37 (hg19) VCF-style: chr2-179611937-T-G.
Other names: c.15190A>C, p.Thr5064Pro (NM_133379.5); c.10223-5289A>C (NM_003319.4); c.10799-5289A>C (NM_133437.4); c.10598-5289A>C (NM_133432.3); c.10360+5914A>C (NM_133378.4); c.10361-5289A>C (NM_001256850.1); short protein forms T5064P.
Identifiers: ClinVar variation 3384607 (VCV003384607.1).

ClinVar aggregate classification (germline): Uncertain significance (1 of 4 stars; one submission).

gnomAD v4.1: 23 of 1,611,716 alleles (0.0014%); highest among the groups gnomAD compares: African/African-American, 0.031%; no homozygotes.

Submission:

GeneDx
Classification: Uncertain significance. Last evaluated: 2024-06-04. Review status: criteria provided, single submitter. Criteria: GeneDx Variant Classification Process June 2021. Collection method: clinical testing. Allele origin: germline. Affected: yes.
Comment: In silico analysis indicates that this variant does not alter splicing; Has not been previously published as pathogenic or benign to our knowledge